The following is an entry in ClinVar:

ClinVar aggregate classification (germline): Uncertain significance (1 of 4 stars; one submission).

Conditions:
Familial thoracic aortic aneurysm and aortic dissection (TAAD). Also called: Thoracic aortic aneurysms and dissections. Identifiers: Orphanet 91387, MedGen C4707243, MONDO:0019625.

Submission:

Labcorp Genetics (formerly Invitae), Labcorp
Classification: Uncertain significance for Familial thoracic aortic aneurysm and aortic dissection. Last evaluated: 2025-03-04. Review status: criteria provided, single submitter. Criteria: Invitae Variant Classification Sherloc (09022015). Collection method: clinical testing. Allele origin: germline.
Comment: This sequence change replaces glutamine, which is neutral and polar, with lysine, which is basic and polar, at codon 23 of the SMAD3 protein (p.Gln23Lys). This variant is not present in population databases (gnomAD no frequency). This variant has not been reported in the literature in individuals affected with SMAD3-related conditions. Invitae Evidence Modeling of protein sequence and biophysical properties (such as structural, functional, and spatial information, amino acid conservation, physicochemical variation, residue mobility, and thermodynamic stability) indicates that this missense variant is not expected to disrupt SMAD3 protein function with a negative predictive value of 95%. In summary, the available evidence is currently insufficient to determine the role of this variant in disease. Therefore, it has been classified as a Variant of Uncertain Significance.

NM_005902.4(SMAD3):c.67C>A (p.Gln23Lys)

Gene: SMAD3 (SMAD family member 3; plus strand). Cytogenetic location: 15q22.33.
Variant type: single nucleotide variant.
Coding change: c.67C>A on transcript NM_005902.4 (MANE Select); coding-DNA position 67, C replaced by A.
Protein change: p.Gln23Lys; replaces glutamine 23 with lysine.
Molecular consequence: missense variant.
Genome position (GRCh38, 1-based): chr15:67,066,221, C>A. VCF-style: chr15-67066221-C-A. GRCh37 (hg19) VCF-style: chr15-67358559-C-A.
Other names: c.67C>A, p.Gln23Lys (NM_001407011.1, NM_001407012.1, NM_001407013.1); short protein forms Q23K.
Identifiers: ClinVar variation 3624139 (VCV003624139.2).